The following is an entry in ClinVar:

NM_000081.4(LYST):c.10801-19_10801-16del

Gene: LYST (lysosomal trafficking regulator; minus strand). Cytogenetic location: 1q42.3.
Variant type: Deletion.
Coding change: c.10801-19_10801-16del on transcript NM_000081.4 (MANE Select); 19 bases into the intron before coding-DNA position 10801 through 16 bases into the intron before coding-DNA position 10801, 4 bases deleted (CTTA; older notation c.10801-19_10801-16delCTTA).
Molecular consequence: intron variant.
Genome position (GRCh38, 1-based): chr1:235,677,635-235,677,638, TAAG deleted on the plus strand (CTTA on the coding strand, the reverse complement: LYST is on the minus strand); deleting any 4 consecutive bases within chr1:235,677,635-235,677,640 gives the same sequence; the c. name uses the placement nearest the transcript's 3' end. VCF-style (leftmost placement, unchanged base first): chr1-235677634-TTAAG-T. GRCh37 (hg19) VCF-style: chr1-235840934-TTAAG-T.
Other names: c.10801-19_10801-16del (NM_001301365.1).
Identifiers: ClinVar variation 3714991 (VCV003714991.1).

ClinVar aggregate classification (germline): Uncertain significance (1 of 4 stars; one submission).

Conditions:
Chédiak-Higashi syndrome (CHS). Also called: Chediak-Higashi Syndrome. Identifiers: Orphanet 167, MedGen C0007965, MONDO:0008963, OMIM 214500.

Submission:

Labcorp Genetics (formerly Invitae), Labcorp
Classification: Uncertain significance for Chédiak-Higashi syndrome. Last evaluated: 2024-09-28. Review status: criteria provided, single submitter. Criteria: Invitae Variant Classification Sherloc (09022015). Collection method: clinical testing. Allele origin: germline.
Comment: This sequence change falls in intron 48 of the LYST gene. It does not directly change the encoded amino acid sequence of the LYST protein. This variant is not present in population databases (gnomAD no frequency). This variant has not been reported in the literature in individuals affected with LYST-related conditions. Algorithms developed to predict the effect of sequence changes on RNA splicing suggest that this variant may disrupt the consensus splice site. In summary, the available evidence is currently insufficient to determine the role of this variant in disease. Therefore, it has been classified as a Variant of Uncertain Significance.